The following is an entry in ClinVar:

NM_018109.4(MTPAP):c.470C>A (p.Thr157Asn)

Gene: MTPAP (mitochondrial poly(A) polymerase; minus strand). Cytogenetic location: 10p11.23.
Variant type: single nucleotide variant.
Coding change: c.470C>A on transcript NM_018109.4 (MANE Select); coding-DNA position 470, C replaced by A.
Protein change: p.Thr157Asn; replaces threonine 157 with asparagine.
Molecular consequence: missense variant.
Genome position (GRCh38, 1-based): chr10:30,340,311, G>T on the plus strand (C>A on the coding strand, the complement: MTPAP is on the minus strand). VCF-style: chr10-30340311-G-T. GRCh37 (hg19) VCF-style: chr10-30629240-G-T.
Other names: short protein forms T157N.
Identifiers: ClinVar variation 2098306 (VCV002098306.4), dbSNP rs757093753, ClinGen allele CA376427944.
Genomic context (GRCh38, chr10:30,340,311, plus strand): 5'-AAAAGCTGCTTGTTTGAACGTGGCAACTGATTACTTGACCGTACGCGTGACCGTTCAGAA[G>T]TCTGGTTTTTCAACTTCAGATTGAAGAAACGTGATCTGAATGGAATTGCAGTCTCCATGG-3'
Protein context (NP_060579.3, residues 147-167): RFFNLKLKNQ[Thr157Asn]SERSRVRSSN

ClinVar aggregate classification (germline): Uncertain significance (1 of 4 stars; one submission).

Submission:

Labcorp Genetics (formerly Invitae), Labcorp
Classification: Uncertain significance. Last evaluated: 2022-03-01. Review status: criteria provided, single submitter. Criteria: Invitae Variant Classification Sherloc (09022015). Collection method: clinical testing. Allele origin: germline.
Comment: Algorithms developed to predict the effect of missense changes on protein structure and function (SIFT, PolyPhen-2, Align-GVGD) all suggest that this variant is likely to be tolerated. This variant has not been reported in the literature in individuals affected with MTPAP-related conditions. This variant is not present in population databases (gnomAD no frequency). This sequence change replaces threonine, which is neutral and polar, with asparagine, which is neutral and polar, at codon 157 of the MTPAP protein (p.Thr157Asn). In summary, the available evidence is currently insufficient to determine the role of this variant in disease. Therefore, it has been classified as a Variant of Uncertain Significance.